The following is an entry in ClinVar:

NM_019892.6(INPP5E):c.1387+9G>A

Gene: INPP5E (inositol polyphosphate-5-phosphatase E; minus strand). Cytogenetic location: 9q34.3.
Variant type: single nucleotide variant.
Coding change: c.1387+9G>A on transcript NM_019892.6 (MANE Select); 9 bases into the intron after coding-DNA position 1387, G replaced by A.
Molecular consequence: intron variant.
Genome position (GRCh38, 1-based): chr9:136,432,470, C>T on the plus strand (G>A on the coding strand, the complement: INPP5E is on the minus strand). VCF-style: chr9-136432470-C-T. GRCh37 (hg19) VCF-style: chr9-139326922-C-T.
Other names: c.1384+9G>A (NM_001318502.2); c.1387+9G>A (NM_019892.5).
Identifiers: ClinVar variation 389568 (VCV000389568.11), dbSNP rs202236947, ClinGen allele CA5336830.

ClinVar aggregate classification (germline): Likely benign. Review status: criteria provided, multiple submitters, no conflicts (2 of 4 stars). 4 submissions from 4 submitters: Likely benign (3). 1 of the submissions does not count toward it. Last evaluated 2025-09-10.

Conditions:
INPP5E-related disorder. Also called: INPP5E-related condition.
Joubert syndrome. Also called: JOUBERT-BOLTSHAUSER SYNDROME; Familial aplasia of the vermis. Identifiers: Orphanet 475, MedGen C5979921, MONDO:0018772.

Allele frequency attached by ClinVar (database versions not stated): gnomAD exomes 0.00004 and 0.00005; ExAC 0.00005; TOPMed 0.00006; gnomAD 0.00007; ESP Exome Variant Server 0.00008; 1000 Genomes Project 30x 0.00016; 1000 Genomes Project 0.00020.
gnomAD v4.1: 63 of 1,532,742 alleles (0.0041%); highest among the groups gnomAD compares: East Asian, 0.012%; 1 homozygote.

Submissions (4):

Labcorp Genetics (formerly Invitae), Labcorp
Classification: Likely benign for Joubert syndrome. Last evaluated: 2025-09-10. Review status: criteria provided, single submitter. Criteria: Invitae Variant Classification Sherloc (09022015). Collection method: clinical testing. Allele origin: germline.

Blueprint Genetics
Classification: Likely benign. Last evaluated: 2024-09-17. Review status: criteria provided, single submitter. Criteria: ACMG Guidelines, 2015. Collection method: clinical testing. Allele origin: germline.

GeneDx
Classification: Likely benign. Last evaluated: 2016-09-22. Review status: criteria provided, single submitter. Criteria: GeneDx Variant Classification (06012015). Collection method: clinical testing. Allele origin: germline. Affected: yes.
Comment: This variant is considered likely benign or benign based on one or more of the following criteria: it is a conservative change, it occurs at a poorly conserved position in the protein, it is predicted to be benign by multiple in silico algorithms, and/or has population frequency not consistent with disease.

PreventionGenetics, part of Exact Sciences
Classification: Likely benign for INPP5E-related condition. Last evaluated: 2022-12-07. Review status: no assertion criteria provided. Collection method: clinical testing. Allele origin: germline. Not counted in ClinVar's aggregate classification.
Comment: This variant is classified as likely benign based on ACMG/AMP sequence variant interpretation guidelines (Richards et al. 2015 PMID: 25741868, with internal and published modifications).